The following is an entry in ClinVar:

NM_018055.5(NODAL):c.515A>C (p.Gln172Pro)

Gene: NODAL (nodal growth differentiation factor; minus strand). Cytogenetic location: 10q22.1.
Variant type: single nucleotide variant.
Coding change: c.515A>C on transcript NM_018055.5 (MANE Select); coding-DNA position 515, A replaced by C.
Protein change: p.Gln172Pro; replaces glutamine 172 with proline.
Molecular consequence: missense variant.
Genome position (GRCh38, 1-based): chr10:70,435,662, T>G on the plus strand (A>C on the coding strand, the complement: NODAL is on the minus strand). VCF-style: chr10-70435662-T-G. GRCh37 (hg19) VCF-style: chr10-72195418-T-G.
Other names: c.116A>C, p.Gln39Pro (NM_001329906.2); short protein forms Q39P, Q172P.
Identifiers: ClinVar variation 4707267 (VCV004707267.1).

ClinVar aggregate classification (germline): Uncertain significance (1 of 4 stars; one submission).

Conditions:
Heterotaxy, visceral, 5, autosomal (HTX5). Also called: Heterotaxy, visceral, 5. Identifiers: Orphanet 450, MedGen C3495537, MONDO:0700112, OMIM 270100.

Submission:

Labcorp Genetics (formerly Invitae), Labcorp
Classification: Uncertain significance for Heterotaxy, visceral, 5, autosomal. Last evaluated: 2025-07-30. Review status: criteria provided, single submitter. Criteria: Invitae Variant Classification Sherloc (09022015). Collection method: clinical testing. Allele origin: germline.
Comment: This sequence change replaces glutamine, which is neutral and polar, with proline, which is neutral and non-polar, at codon 172 of the NODAL protein (p.Gln172Pro). This variant is not present in population databases (gnomAD no frequency). This variant has not been reported in the literature in individuals affected with NODAL-related conditions. Invitae Evidence Modeling of protein sequence and biophysical properties (such as structural, functional, and spatial information, amino acid conservation, physicochemical variation, residue mobility, and thermodynamic stability) indicates that this missense variant is not expected to disrupt NODAL protein function with a negative predictive value of 80%. In summary, the available evidence is currently insufficient to determine the role of this variant in disease. Therefore, it has been classified as a Variant of Uncertain Significance.